The following is an entry in ClinVar:

ClinVar aggregate classification (germline): Uncertain significance. Review status: criteria provided, multiple submitters, no conflicts (2 of 4 stars). 2 submissions from 2 submitters: Uncertain significance (2). Last evaluated 2025-06-08.

Conditions:
IRF2BP2-related disorder. Also called: IRF2BP2-related condition.

Submissions (2):

Labcorp Genetics (formerly Invitae), Labcorp
Classification: Uncertain significance. Last evaluated: 2025-06-08. Review status: criteria provided, single submitter. Criteria: Invitae Variant Classification Sherloc (09022015). Collection method: clinical testing. Allele origin: germline.
Comment: This variant, c.254_256del, results in the deletion of 1 amino acid(s) of the IRF2BP2 protein (p.Pro85del), but otherwise preserves the integrity of the reading frame. This variant is not present in population databases (gnomAD no frequency). This variant has not been reported in the literature in individuals affected with IRF2BP2-related conditions. Experimental studies and prediction algorithms are not available or were not evaluated, and the functional significance of this variant is currently unknown. In summary, the available evidence is currently insufficient to determine the role of this variant in disease. Therefore, it has been classified as a Variant of Uncertain Significance.

PreventionGenetics, part of Exact Sciences
Classification: Uncertain significance for IRF2BP2-related condition. Last evaluated: 2023-04-11. Review status: criteria provided, single submitter. Criteria: ACMG Guidelines, 2015. Collection method: clinical testing. Allele origin: germline.
Comment: The IRF2BP2 c.254_256delCGC variant is predicted to result in an in-frame deletion (p.Pro85del). To our knowledge, this variant has not been reported in the literature or in a large population database, indicating this variant is rare. At this time, the clinical significance of this variant is uncertain due to the absence of conclusive functional and genetic evidence.

NM_182972.3(IRF2BP2):c.248CGC[2] (p.Pro85del)

Genes: IRF2BP2 (interferon regulatory factor 2 binding protein 2; minus strand), LOC129932812 (ATAC-STARR-seq lymphoblastoid silent region 1977; plus strand). Cytogenetic location: 1q42.3.
Variant type: Microsatellite.
Coding change: c.248CGC[2] on transcript NM_182972.3 (MANE Select); two copies in a row of the 3-base unit CGC starting at c.248; the reference has three copies in a row; one copy, 3 bases deleted.
Protein change: p.Pro85del; deletes proline 85.
Molecular consequence: inframe deletion.
Genome position (GRCh38, 1-based): chr1:234,609,239-234,609,241, GCG deleted on the plus strand (CGC on the coding strand, the reverse complement: IRF2BP2 is on the minus strand); deleting any 3 consecutive bases within chr1:234,609,239-234,609,249 gives the same sequence; the position shown is the placement nearest the transcript's 3' end. VCF-style (leftmost placement, unchanged base first): chr1-234609238-AGCG-A. GRCh37 (hg19) VCF-style: chr1-234744984-AGCG-A.
Other names: c.254_256delCGC (NM_182972.2); c.248CGC[2], p.Pro85del (NM_001077397.1); short protein forms P85del.
Identifiers: ClinVar variation 2174394 (VCV002174394.5), dbSNP rs775179529, ClinGen allele CA1461874.